The following is an entry in ClinVar:

ClinVar aggregate classification (germline): Uncertain significance (1 of 4 stars; one submission).

Conditions:
Inborn genetic diseases. Identifiers: MedGen C0950123, MeSH D030342.

Submission:

Ambry Genetics
Classification: Uncertain significance for Inborn genetic diseases. Last evaluated: 2026-01-22. Review status: criteria provided, single submitter. Criteria: Ambry Variant Classification Scheme 2023. Collection method: clinical testing. Allele origin: germline.
Comment: The p.G106R variant (also known as c.316G>C), located in coding exon 4 of the RECQL4 gene, results from a G to C substitution at nucleotide position 316. The glycine at codon 106 is replaced by arginine, an amino acid with dissimilar properties. This amino acid position is conserved. In addition, the in silico prediction for this alteration is inconclusive. Based on the available evidence, the clinical significance of this variant remains unclear.

NM_004260.4(RECQL4):c.316G>C (p.Gly106Arg)

Gene: RECQL4 (RecQ like helicase 4; minus strand). Cytogenetic location: 8q24.3.
Variant type: single nucleotide variant.
Coding change: c.316G>C on transcript NM_004260.4 (MANE Select); coding-DNA position 316, G replaced by C.
Protein change: p.Gly106Arg; replaces glycine 106 with arginine.
Molecular consequence: missense variant. On other transcripts: 5 prime UTR variant (17), non-coding transcript variant (3).
Genome position (GRCh38, 1-based): chr8:144,517,088, C>G on the plus strand (G>C on the coding strand, the complement: RECQL4 is on the minus strand). VCF-style: chr8-144517088-C-G. GRCh37 (hg19) VCF-style: chr8-145742472-C-G.
Other names: c.316G>C, p.Gly106Arg (NM_001413017.1, NM_001413018.1, NM_001413019.1 and 5 more transcripts); c.-405G>C (NM_001413021.1); c.-756G>C (NM_001413022.1, NM_001413023.1, NM_001413037.1 and 3 more transcripts); c.-653G>C (NM_001413024.1, NM_001413035.1); c.187G>C, p.Gly63Arg (NM_001413025.1); c.-818G>C (NM_001413027.1, NM_001413030.1, NM_001413031.1 and 1 more transcripts); c.-481G>C (NM_001413028.1); c.-715G>C (NM_001413032.1); and 2 more; short protein forms G63R, G106R.
Identifiers: ClinVar variation 4844350 (VCV004844350.1).